The following is an entry in ClinVar:

ClinVar aggregate classification (germline): Uncertain significance (1 of 4 stars; one submission).

Conditions:
Retinitis pigmentosa 12 (RP12). Also called: RP WITH OR WITHOUT PPRPE; RP WITH OR WITHOUT PRESERVED PARAARTERIOLE RETINAL PIGMENT EPITHELIUM; RETINITIS PIGMENTOSA WITH OR WITHOUT PARAARTERIOLAR PRESERVATION OF RETINAL PIGMENT EPITHELIUM. Identifiers: Orphanet 791, MedGen C1838647, MONDO:0010818, OMIM 600105.
Leber congenital amaurosis 8 (LCA8). Identifiers: Orphanet 65, MedGen C3151202, MONDO:0013453, OMIM 613835.

Submission:

Labcorp Genetics (formerly Invitae), Labcorp
Classification: Uncertain significance for Leber congenital amaurosis 8; Retinitis pigmentosa 12. Last evaluated: 2022-10-24. Review status: criteria provided, single submitter. Criteria: Invitae Variant Classification Sherloc (09022015). Collection method: clinical testing. Allele origin: germline.
Comment: In summary, the available evidence is currently insufficient to determine the role of this variant in disease. Therefore, it has been classified as a Variant of Uncertain Significance. Advanced modeling of protein sequence and biophysical properties (such as structural, functional, and spatial information, amino acid conservation, physicochemical variation, residue mobility, and thermodynamic stability) performed at Invitae indicates that this missense variant is expected to disrupt CRB1 protein function. ClinVar contains an entry for this variant (Variation ID: 1056848). This variant has not been reported in the literature in individuals affected with CRB1-related conditions. This variant is not present in population databases (gnomAD no frequency). This sequence change replaces alanine, which is neutral and non-polar, with threonine, which is neutral and polar, at codon 713 of the CRB1 protein (p.Ala713Thr).

NM_201253.3(CRB1):c.2137G>A (p.Ala713Thr)

Gene: CRB1 (crumbs cell polarity complex component 1; plus strand). Cytogenetic location: 1q31.3.
Variant type: single nucleotide variant.
Coding change: c.2137G>A on transcript NM_201253.3 (MANE Select); coding-DNA position 2137, G replaced by A.
Protein change: p.Ala713Thr; replaces alanine 713 with threonine.
Molecular consequence: missense variant. On other transcripts: non-coding transcript variant (2), intron variant (1).
Genome position (GRCh38, 1-based): chr1:197,427,462, G>A. VCF-style: chr1-197427462-G-A. GRCh37 (hg19) VCF-style: chr1-197396592-G-A.
Other names: c.1801G>A, p.Ala601Thr (NM_001193640.2); c.1930G>A, p.Ala644Thr (NM_001257965.2); c.2128+5506G>A (NM_001257966.2); short protein forms A601T, A644T, A713T.
Identifiers: ClinVar variation 1056848 (VCV001056848.10), dbSNP rs2125483533, ClinGen allele CA344036312.